The following is an entry in ClinVar:

ClinVar aggregate classification (germline): Uncertain significance (1 of 4 stars; one submission).

Submissions (2):

GeneDx
Classification: Uncertain significance. Last evaluated: 2016-11-25. Review status: criteria provided, single submitter. Criteria: GeneDx Variant Classification (06012015). Collection method: clinical testing. Allele origin: germline. Affected: yes.
Comment: The S21I variant in the PIGA gene has not been reported previously as a pathogenic variant, nor as a benign variant, to our knowledge. This variant was not observed in approximately 6500 individuals of European and African American ancestry in the NHLBI Exome Sequencing Project, indicating it is not a common benign variant in these populations. The S21I variant is a non-conservative amino acid substitution, which is likely to impact secondary protein structure as these residues differ in polarity, charge, size and/or other properties. This substitution occurs at a position that is not conserved, and in silico analysis predicts this variant likely does not alter the protein structure/function. We interpret S21I as a variant of uncertain significance.

Dr. Peter K. Rogan Lab, Western University
No classification provided (evidence only). Condition: Thyroid cancer, nonmedullary, 1. Review status: no classification provided. Collection method: in vitro. Allele origin: not applicable. Functional consequence: skipped exon, retained intron. Not counted in ClinVar's aggregate classification.

NM_002641.4(PIGA):c.62G>T (p.Ser21Ile)

Gene: PIGA (phosphatidylinositol glycan anchor biosynthesis class A; minus strand). Cytogenetic location: Xp22.2.
Variant type: single nucleotide variant.
Coding change: c.62G>T on transcript NM_002641.4 (MANE Select); coding-DNA position 62, G replaced by T.
Protein change: p.Ser21Ile; replaces serine 21 with isoleucine.
Molecular consequence: missense variant. On other transcripts: non-coding transcript variant (1), intron variant (1).
Genome position (GRCh38, 1-based): chrX:15,331,869, C>A on the plus strand (G>T on the coding strand, the complement: PIGA is on the minus strand). VCF-style: chrX-15331869-C-A. GRCh37 (hg19) VCF-style: chrX-15349991-C-A.
Other names: NC_000023.10:g.15349991C>A; c.13+3632G>T (NM_020473.3); short protein forms S21I.
Identifiers: ClinVar variation 373130 (VCV000373130.3), dbSNP rs1057518239, ClinGen allele CA16043216.